The following is an entry in ClinVar:

ClinVar aggregate classification (germline): Uncertain significance (1 of 4 stars; one submission).

Conditions:
Early-infantile DEE. Also called: Ohtahara syndrome; Early infantile epileptic encephalopathy with suppression bursts; Early infantile epileptic encephalopathy. Identifiers: Orphanet 1934, MedGen C0393706, MONDO:0800491.

Submission:

Labcorp Genetics (formerly Invitae), Labcorp
Classification: Uncertain significance for Early-infantile DEE. Last evaluated: 2022-07-12. Review status: criteria provided, single submitter. Criteria: Invitae Variant Classification Sherloc (09022015). Collection method: clinical testing. Allele origin: germline.
Comment: In summary, the available evidence is currently insufficient to determine the role of this variant in disease. Therefore, it has been classified as a Variant of Uncertain Significance. Algorithms developed to predict the effect of missense changes on protein structure and function are either unavailable or do not agree on the potential impact of this missense change (SIFT: "Deleterious"; PolyPhen-2: "Probably Damaging"; Align-GVGD: "Class C0"). ClinVar contains an entry for this variant (Variation ID: 1046979). This variant has not been reported in the literature in individuals affected with CACNA2D2-related conditions. This variant is not present in population databases (gnomAD no frequency). This sequence change replaces alanine, which is neutral and non-polar, with valine, which is neutral and non-polar, at codon 492 of the CACNA2D2 protein (p.Ala492Val).

NM_006030.4(CACNA2D2):c.1475C>T (p.Ala492Val)

Gene: CACNA2D2 (calcium voltage-gated channel auxiliary subunit alpha2delta 2; minus strand). Cytogenetic location: 3p21.31.
Variant type: single nucleotide variant.
Coding change: c.1475C>T on transcript NM_006030.4 (MANE Select); coding-DNA position 1475, C replaced by T.
Protein change: p.Ala492Val; replaces alanine 492 with valine.
Molecular consequence: missense variant.
Genome position (GRCh38, 1-based): chr3:50,378,012, G>A on the plus strand (C>T on the coding strand, the complement: CACNA2D2 is on the minus strand). VCF-style: chr3-50378012-G-A. GRCh37 (hg19) VCF-style: chr3-50415443-G-A.
Other names: c.1475C>T, p.Ala492Val (NM_001005505.3, NM_001174051.3); c.1268C>T, p.Ala423Val (NM_001291101.1); short protein forms A423V, A492V.
Identifiers: ClinVar variation 1046979 (VCV001046979.6), dbSNP rs1705078074, ClinGen allele CA352928742.
Genomic context (GRCh38, chr3:50,378,012, plus strand): 5'-GCACATCTCCGGGGGAAGGGTGCCAGCCCCACCCCTTCCTTGTCCAGAGGCCTTACCAGT[G>A]CATCCTCATACACGTTGGTCCACTGCACCTGCTTGGCCTCCTTGCCTGCCAGCACCATGG-3'
Protein context (NP_006021.2, residues 482-502): QVQWTNVYED[Ala492Val]LGLGLVVTGT